The following is an entry in ClinVar:

ClinVar aggregate classification (germline): Uncertain significance. Review status: criteria provided, multiple submitters, no conflicts (2 of 4 stars). 4 submissions from 4 submitters: Uncertain significance (4). Last evaluated 2026-03-25.

Conditions:
DNMT1-related disorder. Also called: DNMT1-related condition. Identifiers: MedGen CN381527.
Inborn genetic diseases. Identifiers: MedGen C0950123, MeSH D030342.
Hereditary sensory neuropathy-deafness-dementia syndrome. Also called: Hereditary sensory neuropathy type IE; HSN IE; NEUROPATHY, HEREDITARY SENSORY, WITH HEARING LOSS AND DEMENTIA; Hereditary Sensory and Autonomic Neuropathy Type 1E (HSAN1E). Identifiers: Orphanet 456318, MedGen C3279885, MONDO:0013584, OMIM 614116.

Allele frequency attached by ClinVar (database versions not stated): TOPMed 0.00001.

Submissions (4):

PreventionGenetics, part of Exact Sciences
Classification: Uncertain significance for DNMT1-related condition. Last evaluated: 2026-03-25. Review status: criteria provided, single submitter. Criteria: ACMG Guidelines, 2015. Collection method: clinical testing. Allele origin: germline.
Comment: The DNMT1 c.1535C>T variant is predicted to result in the amino acid substitution p.Ala512Val. To our knowledge, this variant has not been reported in the literature or in a large population database (gnomAD), indicating this variant is rare. At this time, the clinical significance of this variant is uncertain due to the absence of conclusive functional and genetic evidence.

GeneDx
Classification: Uncertain significance. Last evaluated: 2023-12-14. Review status: criteria provided, single submitter. Criteria: GeneDx Variant Classification Process June 2021. Collection method: clinical testing. Allele origin: germline. Affected: yes.
Comment: Not observed at significant frequency in large population cohorts (gnomAD); In silico analysis supports that this missense variant does not alter protein structure/function; Has not been previously published as pathogenic or benign to our knowledge; This variant is associated with the following publications: (PMID: 23521649, 25678562, 25942534)

Ambry Genetics
Classification: Uncertain significance for Inborn genetic diseases. Last evaluated: 2023-08-24. Review status: criteria provided, single submitter. Criteria: Ambry Variant Classification Scheme 2023. Collection method: clinical testing. Allele origin: germline.

Labcorp Genetics (formerly Invitae), Labcorp
Classification: Uncertain significance for Hereditary sensory neuropathy-deafness-dementia syndrome. Last evaluated: 2022-06-07. Review status: criteria provided, single submitter. Criteria: Invitae Variant Classification Sherloc (09022015). Collection method: clinical testing. Allele origin: germline.
Comment: This sequence change replaces alanine, which is neutral and non-polar, with valine, which is neutral and non-polar, at codon 512 of the DNMT1 protein (p.Ala512Val). This variant is not present in population databases (gnomAD no frequency). This variant has not been reported in the literature in individuals affected with DNMT1-related conditions. ClinVar contains an entry for this variant (Variation ID: 423895). Algorithms developed to predict the effect of missense changes on protein structure and function are either unavailable or do not agree on the potential impact of this missense change (SIFT: "Deleterious"; PolyPhen-2: "Possibly Damaging"; Align-GVGD: "Class C0"). In summary, the available evidence is currently insufficient to determine the role of this variant in disease. Therefore, it has been classified as a Variant of Uncertain Significance.

NM_001130823.3(DNMT1):c.1535C>T (p.Ala512Val)

Gene: DNMT1 (DNA methyltransferase 1; minus strand). Cytogenetic location: 19p13.2.
Variant type: single nucleotide variant.
Coding change: c.1535C>T on transcript NM_001130823.3 (MANE Select); coding-DNA position 1535, C replaced by T.
Protein change: p.Ala512Val; replaces alanine 512 with valine.
Molecular consequence: missense variant.
Genome position (GRCh38, 1-based): chr19:10,155,014, G>A on the plus strand (C>T on the coding strand, the complement: DNMT1 is on the minus strand). VCF-style: chr19-10155014-G-A. GRCh37 (hg19) VCF-style: chr19-10265690-G-A.
Other names: c.1535C>T (LRG_362t1, NM_001130823.2); c.1487C>T, p.Ala496Val (NM_001318730.2, NM_001379.4); c.1172C>T, p.Ala391Val (NM_001318731.2); c.1487C>T (NM_001379.2); short protein forms A512V, A391V, A496V.
Identifiers: ClinVar variation 423895 (VCV000423895.10), dbSNP rs1064796687, ClinGen allele CA16620721.
Genomic context (GRCh38, chr19:10,155,014, plus strand): 5'-AGGAACTCCACCACAATCTTGCTGATGTAGATCTTCTCCTGCATCAGCCCAAATATGGGC[G>A]CATACTCGGGACTGGGATCCATCAGAATGTATTCGGCAAATGCTGGGGTGAACAGAGGAG-3'
Protein context (NP_001124295.1, residues 502-522): YILMDPSPEY[Ala512Val]PIFGLMQEKI